The following is an entry in ClinVar:

ClinVar aggregate classification (germline): Benign/Likely benign. Review status: criteria provided, multiple submitters, no conflicts (2 of 4 stars). 3 submissions from 3 submitters: Benign (1); Likely benign (2). Last evaluated 2026-06-17.

Conditions:
Polyps, multiple and recurrent inflammatory fibroid, gastrointestinal. Identifiers: MedGen C5193005, MONDO:0008285, OMIM 175510.
Gastrointestinal stromal tumor. Also called: Gastrointestinal stromal tumor, somatic; Gastrointestinal stroma tumor. Identifiers: Orphanet 44890, MedGen C0238198, MeSH D046152, MONDO:0011719, OMIM 606764, HP:0100723.
Hereditary cancer-predisposing syndrome. Also called: Neoplastic Syndromes, Hereditary; Tumor predisposition; Hereditary Cancer Syndrome; Hereditary neoplastic syndrome. Identifiers: Orphanet 140162, MedGen C0027672, MeSH D009386, MONDO:0015356.

gnomAD v4.1: 1 of 1,539,744 alleles (0.000065%); no homozygotes.

Submissions (3):

Myriad Genetics, Inc.
Classification: Benign for Polyps, multiple and recurrent inflammatory fibroid, gastrointestinal. Last evaluated: 2026-06-17. Review status: criteria provided, single submitter. Criteria: Myriad Autosomal Dominant, Autosomal Recessive and X-Linked Classification Criteria (2023). Collection method: clinical testing. Allele origin: unknown.
Comment: This variant is considered benign. This variant is a silent/synonymous amino acid change and it is not expected to impact splicing.

Ambry Genetics
Classification: Likely benign for Hereditary cancer-predisposing syndrome. Last evaluated: 2024-07-18. Review status: criteria provided, single submitter. Criteria: Ambry Variant Classification Scheme 2023. Collection method: clinical testing. Allele origin: germline.

Labcorp Genetics (formerly Invitae), Labcorp
Classification: Likely benign for Gastrointestinal stromal tumor. Last evaluated: 2024-03-10. Review status: criteria provided, single submitter. Criteria: Invitae Variant Classification Sherloc (09022015). Collection method: clinical testing. Allele origin: germline.

NM_006206.6(PDGFRA):c.2589T>C (p.Ala863=)

Gene: PDGFRA (platelet derived growth factor receptor alpha; plus strand). Cytogenetic location: 4q12.
Variant type: single nucleotide variant.
Coding change: c.2589T>C on transcript NM_006206.6 (MANE Select); coding-DNA position 2589, T replaced by C.
Protein change: p.Ala863=; no amino-acid change (alanine 863 retained).
Molecular consequence: synonymous variant.
Genome position (GRCh38, 1-based): chr4:54,287,456, T>C. VCF-style: chr4-54287456-T-C. GRCh37 (hg19) VCF-style: chr4-55153623-T-C.
Other names: c.2664T>C, p.Ala888= (NM_001347828.2); c.2589T>C, p.Ala863= (NM_001347829.2); c.2628T>C, p.Ala876= (NM_001347830.2).
Identifiers: ClinVar variation 3416393 (VCV003416393.4).